The following is an entry in ClinVar:

NM_138694.4(PKHD1):c.7887C>T (p.Asn2629=)

Gene: PKHD1 (PKHD1 ciliary IPT domain containing fibrocystin/polyductin; minus strand). Cytogenetic location: 6p12.2.
Variant type: single nucleotide variant.
Coding change: c.7887C>T on transcript NM_138694.4 (MANE Select); coding-DNA position 7887, C replaced by T.
Protein change: p.Asn2629=; no amino-acid change (asparagine 2629 retained).
Molecular consequence: synonymous variant.
Genome position (GRCh38, 1-based): chr6:51,855,917, G>A on the plus strand (C>T on the coding strand, the complement: PKHD1 is on the minus strand). VCF-style: chr6-51855917-G-A. GRCh37 (hg19) VCF-style: chr6-51720715-G-A.
Other names: c.7887C>T, p.Asn2629= (NM_170724.3).
Identifiers: ClinVar variation 499612 (VCV000499612.16), dbSNP rs146083613, ClinGen allele CA3851808.

ClinVar aggregate classification (germline): Conflicting classifications of pathogenicity. Review status: criteria provided, conflicting classifications (1 of 4 stars). 3 submissions from 3 submitters: Uncertain significance (1); Likely benign (2). Last evaluated 2026-01-11.

Conditions:
PKHD1-related disorder. Also called: PKHD1-related condition.
Autosomal recessive polycystic kidney disease (ARPKD). Also called: AR polycystic kidney disease. Identifiers: Orphanet 731, Orphanet 8378, MedGen C0085548, MeSH D017044, MONDO:0009889.

Allele frequency attached by ClinVar (database versions not stated): gnomAD exomes 0.00001 and 0.00003; ExAC 0.00003; gnomAD 0.00006 and 0.00007; TOPMed 0.00009; ESP Exome Variant Server 0.00015; 1000 Genomes Project 30x 0.00031.
gnomAD v4.1: 25 of 1,613,870 alleles (0.0015%); highest among the groups gnomAD compares: African/African-American, 0.031%; no homozygotes.

Submissions (3):

Labcorp Genetics (formerly Invitae), Labcorp
Classification: Likely benign for Autosomal recessive polycystic kidney disease. Last evaluated: 2026-01-11. Review status: criteria provided, single submitter. Criteria: Invitae Variant Classification Sherloc (09022015). Collection method: clinical testing. Allele origin: germline.

PreventionGenetics, part of Exact Sciences
Classification: Likely benign for PKHD1-related condition. Last evaluated: 2024-10-17. Review status: criteria provided, single submitter. Criteria: ACMG Guidelines, 2015. Collection method: clinical testing. Allele origin: germline.
Comment: This variant is classified as likely benign based on ACMG/AMP sequence variant interpretation guidelines (Richards et al. 2015 PMID: 25741868, with internal and published modifications).

Eurofins Ntd Llc (ga)
Classification: Uncertain significance. Last evaluated: 2017-01-03. Review status: criteria provided, single submitter. Criteria: EGL Classification Definitions 2015. Collection method: clinical testing. Allele origin: germline. Observed: 1 variant allele, 1 heterozygote.